The following is an entry in ClinVar:

ClinVar aggregate classification (germline): Uncertain significance (1 of 4 stars; one submission).

Conditions:
ALMS1-related disorder. Also called: ALMS1-related condition.

Submission:

PreventionGenetics, part of Exact Sciences
Classification: Uncertain significance for ALMS1-related condition. Last evaluated: 2025-05-15. Review status: criteria provided, single submitter. Criteria: ACMG Guidelines, 2015. Collection method: clinical testing. Allele origin: germline.
Comment: The ALMS1 c.1849A>G variant is predicted to result in the amino acid substitution p.Thr617Ala. To our knowledge, this variant has not been reported in the literature. This variant is reported in 0.0028% of alleles in individuals of Latino descent in gnomAD. At this time, the clinical significance of this variant is uncertain due to the absence of conclusive functional and genetic evidence.

NM_001378454.1(ALMS1):c.1846A>G (p.Thr616Ala)

Gene: ALMS1 (ALMS1 centrosome and basal body associated protein; plus strand). Cytogenetic location: 2p13.1.
Variant type: single nucleotide variant.
Coding change: c.1846A>G on transcript NM_001378454.1 (MANE Select); coding-DNA position 1846, A replaced by G.
Protein change: p.Thr616Ala; replaces threonine 616 with alanine.
Molecular consequence: missense variant.
Genome position (GRCh38, 1-based): chr2:73,448,373, A>G. VCF-style: chr2-73448373-A-G. GRCh37 (hg19) VCF-style: chr2-73675500-A-G.
Other names: c.1849A>G, p.Thr617Ala (NM_015120.4); short protein forms T616A, T617A.
Identifiers: ClinVar variation 4990752 (VCV004990752.1).
Genomic context (GRCh38, chr2:73,448,373, plus strand): 5'-GAAGAGGCTTTGAAAGTTTCAGCTGCTCCTGGACTAGCTGACCAGACAACTGGCATGTCA[A>G]CTCTAACCTCTACTTCCTACTCACATAGAGAGAAGCCTGGTACTTTTTACCAACAAGAGT-3'
Protein context (NP_001365383.1, residues 606-626): GLADQTTGMS[Thr616Ala]LTSTSYSHRE